The following is an entry in ClinVar:

ClinVar aggregate classification (germline): Uncertain significance. Review status: criteria provided, multiple submitters, no conflicts (2 of 4 stars). 2 submissions from 2 submitters: Uncertain significance (2). Last evaluated 2023-06-12.

Conditions:
Cardiovascular phenotype. Identifiers: MedGen CN230736.
RASopathy. Also called: rasopathies; Noonan spectrum disorder. Identifiers: Orphanet 536391, MedGen C5555857, MONDO:0021060.

Allele frequency attached by ClinVar (database versions not stated): gnomAD exomes below 0.00001; TOPMed below 0.00001; gnomAD 0.00001.

Submissions (2):

Ambry Genetics
Classification: Uncertain significance for Cardiovascular phenotype. Last evaluated: 2023-06-12. Review status: criteria provided, single submitter. Criteria: Ambry Variant Classification Scheme 2023. Collection method: clinical testing. Allele origin: germline.
Comment: The p.R1201Q variant (also known as c.3602G>A), located in coding exon 23 of the SOS1 gene, results from a G to A substitution at nucleotide position 3602. The arginine at codon 1201 is replaced by glutamine, an amino acid with highly similar properties. This amino acid position is highly conserved in available vertebrate species. In addition, this alteration is predicted to be tolerated by in silico analysis. Since supporting evidence is limited at this time, the clinical significance of this alteration remains unclear.

Labcorp Genetics (formerly Invitae), Labcorp
Classification: Uncertain significance for RASopathy. Last evaluated: 2022-09-22. Review status: criteria provided, single submitter. Criteria: Invitae Variant Classification Sherloc (09022015). Collection method: clinical testing. Allele origin: germline.
Comment: ClinVar contains an entry for this variant (Variation ID: 660848). This sequence change replaces arginine, which is basic and polar, with glutamine, which is neutral and polar, at codon 1201 of the SOS1 protein (p.Arg1201Gln). This variant is not present in population databases (gnomAD no frequency). This variant has not been reported in the literature in individuals affected with SOS1-related conditions. Advanced modeling of protein sequence and biophysical properties (such as structural, functional, and spatial information, amino acid conservation, physicochemical variation, residue mobility, and thermodynamic stability) performed at Invitae indicates that this missense variant is not expected to disrupt SOS1 protein function. In summary, the available evidence is currently insufficient to determine the role of this variant in disease. Therefore, it has been classified as a Variant of Uncertain Significance.

NM_005633.4(SOS1):c.3602G>A (p.Arg1201Gln)

Gene: SOS1 (SOS Ras/Rac guanine nucleotide exchange factor 1; minus strand). Cytogenetic location: 2p22.1.
Variant type: single nucleotide variant.
Coding change: c.3602G>A on transcript NM_005633.4 (MANE Select); coding-DNA position 3602, G replaced by A.
Protein change: p.Arg1201Gln; replaces arginine 1201 with glutamine.
Molecular consequence: missense variant.
Genome position (GRCh38, 1-based): chr2:38,986,224, C>T on the plus strand (G>A on the coding strand, the complement: SOS1 is on the minus strand). VCF-style: chr2-38986224-C-T. GRCh37 (hg19) VCF-style: chr2-39213365-C-T.
Other names: c.3581G>A, p.Arg1194Gln (NM_001382394.1); c.3557G>A, p.Arg1186Gln (NM_001382395.1); short protein forms R1201Q, R1186Q, R1194Q.
Identifiers: ClinVar variation 660848 (VCV000660848.10), dbSNP rs1422169849, ClinGen allele CA346362758.